The following is an entry in ClinVar:

NM_000384.3(APOB):c.12557T>A (p.Val4186Asp)

Gene: APOB (apolipoprotein B; minus strand). Cytogenetic location: 2p24.1.
Variant type: single nucleotide variant.
Coding change: c.12557T>A on transcript NM_000384.3 (MANE Select); coding-DNA position 12557, T replaced by A.
Protein change: p.Val4186Asp; replaces valine 4186 with aspartic acid.
Molecular consequence: missense variant.
Genome position (GRCh38, 1-based): chr2:21,002,865, A>T on the plus strand (T>A on the coding strand, the complement: APOB is on the minus strand). VCF-style: chr2-21002865-A-T. GRCh37 (hg19) VCF-style: chr2-21225737-A-T.
Other names: short protein forms V4186D.
Identifiers: ClinVar variation 3415627 (VCV003415627.1).
Genomic context (GRCh38, chr2:21,002,865, plus strand): 5'-CCCGGAAACTGGAATCTGGGGAAGTTCAGAAAATCAATGAGTGAGTCAATCAGATGCTTG[A>T]CTTTCATATGGAATTCTTGAGTAACTCGTACCAAGCCATCAAACACGTTATCCTTGAGTC-3'
Protein context (NP_000375.3, residues 4176-4196): VRVTQEFHMK[Val4186Asp]KHLIDSLIDF

ClinVar aggregate classification (germline): Uncertain significance (1 of 4 stars; one submission).

Conditions:
Cardiovascular phenotype. Identifiers: MedGen CN230736.

Submission:

Ambry Genetics
Classification: Uncertain significance for Cardiovascular phenotype. Last evaluated: 2024-07-25. Review status: criteria provided, single submitter. Criteria: Ambry Variant Classification Scheme 2023. Collection method: clinical testing. Allele origin: germline.
Comment: The p.V4186D variant (also known as c.12557T>A), located in coding exon 29 of the APOB gene, results from a T to A substitution at nucleotide position 12557. The valine at codon 4186 is replaced by aspartic acid, an amino acid with highly dissimilar properties. This amino acid position is conserved. In addition, this alteration is predicted to be tolerated by in silico analysis. Based on the available evidence, the clinical significance of this variant remains unclear.